The following is an entry in ClinVar:

NM_000138.5(FBN1):c.2934C>T (p.Asp978=)

Gene: FBN1 (fibrillin 1; minus strand). Cytogenetic location: 15q21.1.
Variant type: single nucleotide variant.
Coding change: c.2934C>T on transcript NM_000138.5 (MANE Select); coding-DNA position 2934, C replaced by T.
Protein change: p.Asp978=; no amino-acid change (aspartic acid 978 retained).
Molecular consequence: synonymous variant.
Genome position (GRCh38, 1-based): chr15:48,489,999, G>A on the plus strand (C>T on the coding strand, the complement: FBN1 is on the minus strand). VCF-style: chr15-48489999-G-A. GRCh37 (hg19) VCF-style: chr15-48782196-G-A.
Identifiers: ClinVar variation 698136 (VCV000698136.17), dbSNP rs138438849, ClinGen allele CA049433.

ClinVar aggregate classification (germline): Likely benign. Review status: criteria provided, multiple submitters, no conflicts (2 of 4 stars). 5 submissions from 5 submitters: Likely benign (5). Last evaluated 2026-07-21.

Conditions:
Marfan syndrome (MFS). Also called: Marfan syndrome type 1; Marfan's syndrome; Marfan syndrome, classic; FBN1-Related Marfan Syndrome; MARFAN SYNDROME, TYPE I. Identifiers: Orphanet 284963, Orphanet 558, MedGen C0024796, MONDO:0007947, OMIM 154700.
Familial thoracic aortic aneurysm and aortic dissection (TAAD). Also called: Thoracic aortic aneurysms and dissections. Identifiers: Orphanet 91387, MedGen C4707243, MONDO:0019625.

gnomAD v4.1: 13 of 1,613,976 alleles (0.00081%); highest among the groups gnomAD compares: East Asian, 0.0067%; no homozygotes.

Submissions (5):

Ambry Genetics
Classification: Likely benign for Familial thoracic aortic aneurysm and aortic dissection. Last evaluated: 2026-07-21. Review status: criteria provided, single submitter. Criteria: Ambry Variant Classification Scheme 2023. Collection method: clinical testing. Allele origin: germline.

CeGaT Center for Human Genetics Tuebingen
Classification: Likely benign. Last evaluated: 2026-06-01. Review status: criteria provided, single submitter. Criteria: CeGaT Center For Human Genetics Tuebingen Variant Classification Criteria Version 2. Collection method: clinical testing. Allele origin: germline. Affected: yes. Observed: 1 variant allele.
Comment: FBN1: BP4, BP7

Labcorp Genetics (formerly Invitae), Labcorp
Classification: Likely benign for Marfan syndrome; Familial thoracic aortic aneurysm and aortic dissection. Last evaluated: 2025-02-26. Review status: criteria provided, single submitter. Criteria: Invitae Variant Classification Sherloc (09022015). Collection method: clinical testing. Allele origin: germline.

All of Us Research Program, National Institutes of Health
Classification: Likely benign for Marfan syndrome. Last evaluated: 2024-08-06. Review status: criteria provided, single submitter. Criteria: ACMG Guidelines, 2015. Collection method: clinical testing. Allele origin: germline. Inheritance: Autosomal dominant inheritance. Observed: 4 variant alleles, 4 heterozygotes.
Comment: This study involves interpretation of variants in research participants for the purpose of population health screening. Participant phenotype was not available at the time of variant classification. Additional details can be found in publication PMID: 35346344, PMCID: PMC8962531

Color Diagnostics, LLC DBA Color Health
Classification: Likely benign for Familial thoracic aortic aneurysm and aortic dissection. Last evaluated: 2019-03-19. Review status: criteria provided, single submitter. Criteria: ACMG Guidelines, 2015. Collection method: clinical testing. Allele origin: germline.